The following is an entry in ClinVar:

ClinVar aggregate classification (germline): Uncertain significance. Review status: criteria provided, multiple submitters, no conflicts (2 of 4 stars). 2 submissions from 2 submitters: Uncertain significance (2). Last evaluated 2023-05-09.

Submissions (2):

GeneDx
Classification: Uncertain significance. Last evaluated: 2023-05-09. Review status: criteria provided, single submitter. Criteria: GeneDx Variant Classification Process June 2021. Collection method: clinical testing. Allele origin: germline. Affected: yes.
Comment: Not observed at significant frequency in large population cohorts (gnomAD); In silico analysis supports that this missense variant does not alter protein structure/function; Has not been previously published as pathogenic or benign to our knowledge

Athena Diagnostics
Classification: Uncertain significance. Last evaluated: 2022-11-30. Review status: criteria provided, single submitter. Criteria: Athena Diagnostics Criteria. Collection method: clinical testing. Allele origin: unknown.
Comment: Available data are insufficient to determine the clinical significance of the variant at this time. This variant has not been reported in large, multi-ethnic general populations. Computational tools disagree on the variant's effect on normal protein function.

NM_001378969.1(KCND3):c.431C>T (p.Ala144Val)

Gene: KCND3 (potassium voltage-gated channel subfamily D member 3; minus strand). Cytogenetic location: 1p13.2.
Variant type: single nucleotide variant.
Coding change: c.431C>T on transcript NM_001378969.1 (MANE Select); coding-DNA position 431, C replaced by T.
Protein change: p.Ala144Val; replaces alanine 144 with valine.
Molecular consequence: missense variant.
Genome position (GRCh38, 1-based): chr1:111,982,296, G>A on the plus strand (C>T on the coding strand, the complement: KCND3 is on the minus strand). VCF-style: chr1-111982296-G-A. GRCh37 (hg19) VCF-style: chr1-112524918-G-A.
Other names: c.431C>T, p.Ala144Val (NM_001378970.1, NM_004980.5, NM_172198.3); short protein forms A144V.
Identifiers: ClinVar variation 2662195 (VCV002662195.2), dbSNP rs2525706757, ClinGen allele CA341822154.